The following is an entry in ClinVar:

ClinVar aggregate classification (germline): Likely benign. Review status: criteria provided, single submitter (1 of 4 stars). 2 submissions from 2 submitters: Likely benign (1). 1 of the submissions does not count toward it. Last evaluated 2025-09-30.

Conditions:
COL6A3-related disorder. Also called: COL6A3-related disorders; COL6A3-related condition.
Bethlem myopathy 1A. Also called: MYOPATHY, BENIGN CONGENITAL, WITH CONTRACTURES; Bethlem Muscular Dystrophy; Bethlem myopathy 1. Identifiers: Orphanet 610, MedGen CN029274, MONDO:0024530, OMIM 158810.

Allele frequency attached by ClinVar (database versions not stated): ExAC 0.00001; gnomAD exomes 0.00001; gnomAD 0.00003 and 0.00004; TOPMed 0.00008; 1000 Genomes Project 30x 0.00016; 1000 Genomes Project 0.00020.
gnomAD v4.1: 21 of 1,614,224 alleles (0.0013%); highest among the groups gnomAD compares: African/African-American, 0.027%; no homozygotes.

Submissions (2):

Labcorp Genetics (formerly Invitae), Labcorp
Classification: Likely benign for Bethlem myopathy 1A. Last evaluated: 2025-09-30. Review status: criteria provided, single submitter. Criteria: Invitae Variant Classification Sherloc (09022015). Collection method: clinical testing. Allele origin: germline.

PreventionGenetics, part of Exact Sciences
Classification: Likely benign for COL6A3-related condition. Last evaluated: 2023-11-16. Review status: no assertion criteria provided. Collection method: clinical testing. Allele origin: germline. Not counted in ClinVar's aggregate classification.
Comment: This variant is classified as likely benign based on ACMG/AMP sequence variant interpretation guidelines (Richards et al. 2015 PMID: 25741868, with internal and published modifications).

NM_004369.4(COL6A3):c.5277A>G (p.Ala1759=)

Gene: COL6A3 (collagen type VI alpha 3 chain; minus strand). Cytogenetic location: 2q37.3.
Variant type: single nucleotide variant.
Coding change: c.5277A>G on transcript NM_004369.4 (MANE Select); coding-DNA position 5277, A replaced by G.
Protein change: p.Ala1759=; no amino-acid change (alanine 1759 retained).
Molecular consequence: synonymous variant.
Genome position (GRCh38, 1-based): chr2:237,366,910, T>C on the plus strand (A>G on the coding strand, the complement: COL6A3 is on the minus strand). VCF-style: chr2-237366910-T-C. GRCh37 (hg19) VCF-style: chr2-238275553-T-C.
Other names: c.3456A>G, p.Ala1152= (NM_057166.5); c.4659A>G, p.Ala1553= (NM_057167.4).
Identifiers: ClinVar variation 741492 (VCV000741492.12), dbSNP rs567112070, ClinGen allele CA2188706.
Genomic context (GRCh38, chr2:237,366,910, plus strand): 5'-CCTCACTCCAACAGCAAACACTTTGACCCCCCTCTGGGTGAGGGCCAGGCTCACATCCTG[T>C]GCATCTTCCACCGACTTTCCTCCCGTGATCACAAAGGCAATCTGAGGGACCCGCTGGTCC-3'
Protein context (NP_004360.2, residues 1749-1769): VITGGKSVED[Ala1759=]QDVSLALTQR